The following is an entry in ClinVar:

ClinVar aggregate classification (germline): Likely benign (1 of 4 stars; one submission).

Allele frequency attached by ClinVar (database versions not stated): 1000 Genomes Project 0.00739; 1000 Genomes Project 30x 0.00843; gnomAD 0.00907 and 0.00979; TOPMed 0.01064.
gnomAD v4.1: 1,367 of 152,242 alleles (0.9%); highest among the groups gnomAD compares: African/African-American, 3.1%; 20 homozygotes.

Submission:

GeneDx
Classification: Likely benign. Last evaluated: 2018-06-19. Review status: criteria provided, single submitter. Criteria: GeneDx Variant Classification (06012015). Collection method: clinical testing. Allele origin: germline. Affected: yes.
Comment: This variant is considered likely benign or benign based on one or more of the following criteria: it is a conservative change, it occurs at a poorly conserved position in the protein, it is predicted to be benign by multiple in silico algorithms, and/or has population frequency not consistent with disease.

NM_139343.3(BIN1):c.857+180G>A

Gene: BIN1 (bridging integrator 1; minus strand). Cytogenetic location: 2q14.3.
Variant type: single nucleotide variant.
Coding change: c.857+180G>A on transcript NM_139343.3 (MANE Select); 180 bases into the intron after coding-DNA position 857, G replaced by A.
Molecular consequence: intron variant.
Genome position (GRCh38, 1-based): chr2:127,061,935, C>T on the plus strand (G>A on the coding strand, the complement: BIN1 is on the minus strand). VCF-style: chr2-127061935-C-T. GRCh37 (hg19) VCF-style: chr2-127819511-C-T.
Other names: c.776+180G>A (NM_001320642.1); c.692+180G>A (NM_001320634.1); c.764+180G>A (NM_139351.3, NM_139350.3, NM_139349.3 and 6 more transcripts); c.857+180G>A (NM_001320633.2, NM_139345.3, NM_139344.3 and 1 more transcripts).
Identifiers: ClinVar variation 678129 (VCV000678129.1), dbSNP rs144499428, ClinGen allele CA55348033.